The following is an entry in ClinVar:

ClinVar aggregate classification (germline): Likely benign. Review status: reviewed by expert panel (3 of 4 stars). 3 submissions from 3 submitters: Likely benign (1). 2 of the submissions do not count toward it. Last evaluated 2024-09-10.

Conditions:
Hereditary thrombocytopenia and hematologic cancer predisposition syndrome. Identifiers: Orphanet 71290, MedGen CN281654, MONDO:0011071.
Inborn genetic diseases. Identifiers: MedGen C0950123, MeSH D030342.
Hereditary thrombocytopenia and hematological cancer predisposition syndrome associated with RUNX1. Also called: Familial Platelet Disorder with Propensity to Acute Myelogenous Leukemia; Familial thrombocytopenia with propensity to acute myelogenous leukemia; PLATELET DISORDER, ASPIRIN-LIKE; RUNX1 Familial Platelet Disorder with Associated Myeloid Malignancies. Identifiers: Orphanet 71290, MedGen C1832388, MeSH C563324, MONDO:0100083, OMIM 601399.

Submissions (3):

ClinGen Myeloid Malignancy Variant Curation Expert Panel
Classification: Likely benign for Hereditary thrombocytopenia and hematologic cancer predisposition syndrome. Last evaluated: 2024-09-10. Review status: reviewed by expert panel. Criteria: ClinGen MyeloMalig ACMG Specifications v2. Collection method: curation. Allele origin: germline. Inheritance: Autosomal dominant inheritance.
Comment: NM_001754.5(RUNX1):c.261C>T (p.Gly87=) is a synonymous variant which has a SpliceAI score ≤ 0.20 (0.08) (BP4). This variant has a SpliceAI score ≤ 0.20 and evolutionary conservation algorithms predict the site as not being conserved (PhyloP score ≤ 2.0 (-0.605)) (BP7). This variant is completely absent from all population databases with at least 20x coverage for RUNX1 (PM2_Supporting). In summary, this variant meets the criteria to be classified as likely benign. ACMG/AMP criteria applied, as specified by the Myeloid Malignancy Variant Curation Expert Panel for RUNX1: BP4, BP7, PM2_supporting.

Ambry Genetics
Classification: Likely benign for Inborn genetic diseases. Last evaluated: 2025-05-16. Review status: criteria provided, single submitter. Criteria: Ambry Variant Classification Scheme 2023. Collection method: clinical testing. Allele origin: germline. Not counted in ClinVar's aggregate classification.

Labcorp Genetics (formerly Invitae), Labcorp
Classification: Likely benign for Hereditary thrombocytopenia and hematological cancer predisposition syndrome associated with RUNX1. Last evaluated: 2024-04-22. Review status: criteria provided, single submitter. Criteria: Invitae Variant Classification Sherloc (09022015). Collection method: clinical testing. Allele origin: germline. Not counted in ClinVar's aggregate classification.

NM_001754.5(RUNX1):c.261C>T (p.Gly87=)

Gene: RUNX1 (RUNX family transcription factor 1; minus strand). Cytogenetic location: 21q22.12.
Variant type: single nucleotide variant.
Coding change: c.261C>T on transcript NM_001754.5 (MANE Select); coding-DNA position 261, C replaced by T.
Protein change: p.Gly87=; no amino-acid change (glycine 87 retained).
Molecular consequence: synonymous variant.
Genome position (GRCh38, 1-based): chr21:34,886,933, G>A on the plus strand (C>T on the coding strand, the complement: RUNX1 is on the minus strand). VCF-style: chr21-34886933-G-A. GRCh37 (hg19) VCF-style: chr21-36259230-G-A.
Other names: NM_001754.5(RUNX1):c.261C>T; p.Gly87=; c.180C>T, p.Gly60= (NM_001001890.3, NM_001122607.2).
Identifiers: ClinVar variation 1905188 (VCV001905188.7), dbSNP rs2146410177, ClinGen allele CA512318875.